The following is an entry in ClinVar:

ClinVar aggregate classification (germline): Uncertain significance. Review status: criteria provided, multiple submitters, no conflicts (2 of 4 stars). 3 submissions from 3 submitters: Uncertain significance (3). Last evaluated 2024-10-08.

Conditions:
Fanconi anemia (FA). Also called: Fanconi's anemia. Identifiers: Orphanet 84, MedGen C0015625, MeSH D005199, MONDO:0019391.
Spermatogenic failure 28. Identifiers: MedGen C4748117, MONDO:0054732, OMIM 618086.
Premature ovarian failure 15. Identifiers: MedGen C4748170, MONDO:0054862, OMIM 618096.

Allele frequency attached by ClinVar (database versions not stated): gnomAD below 0.00001 and 0.00001; TOPMed 0.00001; gnomAD exomes 0.00002 and 0.00005; ExAC 0.00006; ESP Exome Variant Server 0.00008.
gnomAD v4.1: 32 of 1,613,486 alleles (0.002%); highest among the groups gnomAD compares: South Asian, 0.03%; no homozygotes.

Submissions (3):

Labcorp Genetics (formerly Invitae), Labcorp
Classification: Uncertain significance for Fanconi anemia. Last evaluated: 2024-10-08. Review status: criteria provided, single submitter. Criteria: Invitae Variant Classification Sherloc (09022015). Collection method: clinical testing. Allele origin: germline.
Comment: This sequence change replaces arginine, which is basic and polar, with cysteine, which is neutral and slightly polar, at codon 313 of the FANCM protein (p.Arg313Cys). This variant is present in population databases (rs372710600, gnomAD 0.04%). This variant has not been reported in the literature in individuals affected with FANCM-related conditions. ClinVar contains an entry for this variant (Variation ID: 660798). An algorithm developed to predict the effect of missense changes on protein structure and function (PolyPhen-2) suggests that this variant is likely to be tolerated. In summary, the available evidence is currently insufficient to determine the role of this variant in disease. Therefore, it has been classified as a Variant of Uncertain Significance.

GeneDx
Classification: Uncertain significance. Last evaluated: 2024-05-03. Review status: criteria provided, single submitter. Criteria: GeneDx Variant Classification Process June 2021. Collection method: clinical testing. Allele origin: germline. Affected: yes.
Comment: In silico analysis indicates that this missense variant does not alter protein structure/function; Has not been previously published as pathogenic or benign to our knowledge; In silico analysis suggests this variant may impact gene splicing. In the absence of RNA/functional studies, the actual effect of this sequence change is unknown.

Fulgent Genetics
Classification: Uncertain significance for Spermatogenic failure 28; Premature ovarian failure 15. Last evaluated: 2021-12-02. Review status: criteria provided, single submitter. Criteria: ACMG Guidelines, 2015. Collection method: clinical testing. Allele origin: unknown.

NM_020937.4(FANCM):c.937C>T (p.Arg313Cys)

Gene: FANCM (FA complementation group M; plus strand). Cytogenetic location: 14q21.2.
Variant type: single nucleotide variant.
Coding change: c.937C>T on transcript NM_020937.4 (MANE Select); coding-DNA position 937, C replaced by T.
Protein change: p.Arg313Cys; replaces arginine 313 with cysteine.
Molecular consequence: missense variant.
Genome position (GRCh38, 1-based): chr14:45,151,415, C>T. VCF-style: chr14-45151415-C-T. GRCh37 (hg19) VCF-style: chr14-45620618-C-T.
Other names: c.859C>T, p.Arg287Cys (NM_001308133.2); c.937C>T, p.Arg313Cys (NM_001308134.2); short protein forms R313C, R287C.
Identifiers: ClinVar variation 660798 (VCV000660798.11), dbSNP rs372710600, ClinGen allele CA7168893.